The following is an entry in ClinVar:

NM_147127.5(EVC2):c.3877A>T (p.Lys1293Ter)

Gene: EVC2 (EvC ciliary complex subunit 2; minus strand). Cytogenetic location: 4p16.2.
Variant type: single nucleotide variant.
Coding change: c.3877A>T on transcript NM_147127.5 (MANE Select); coding-DNA position 3877, A replaced by T.
Protein change: p.Lys1293Ter; replaces lysine 1293 with a stop codon.
Molecular consequence: nonsense.
Genome position (GRCh38, 1-based): chr4:5,562,898, T>A on the plus strand (A>T on the coding strand, the complement: EVC2 is on the minus strand). VCF-style: chr4-5562898-T-A. GRCh37 (hg19) VCF-style: chr4-5564625-T-A.
Other names: c.3637A>T, p.Lys1213Ter (NM_001166136.2); short protein forms K1213*, K1293*.
Identifiers: ClinVar variation 2505954 (VCV002505954.1), dbSNP rs1394912275, ClinGen allele CA356146318.

ClinVar aggregate classification (germline): Uncertain significance (1 of 4 stars; one submission).

Submission:

GeneDx
Classification: Uncertain significance. Last evaluated: 2022-12-13. Review status: criteria provided, single submitter. Criteria: GeneDx Variant Classification Process June 2021. Collection method: clinical testing. Allele origin: germline. Affected: yes.
Comment: Not observed at significant frequency in large population cohorts (gnomAD); Nonsense variant predicted to result in protein truncation as the last 16 amino acids are lost, although loss-of-function variants have not been reported downstream of this position in the protein; Has not been previously published as pathogenic or benign to our knowledge